The following is an entry in ClinVar:

ClinVar aggregate classification (germline): Uncertain significance. Review status: criteria provided, multiple submitters, no conflicts (2 of 4 stars). 3 submissions from 3 submitters: Uncertain significance (3). Last evaluated 2021-07-26.

Conditions:
Genitopatellar syndrome (GTPTS). Also called: ABSENT PATELLAE, SCROTAL HYPOPLASIA, RENAL ANOMALIES, FACIAL DYSMORPHISM, AND MENTAL RETARDATION; Genitopatellar syndrome (GPS). Identifiers: Orphanet 85201, MedGen C1853566, MONDO:0011640, OMIM 606170.
Blepharophimosis - intellectual disability syndrome, SBBYS type (SBBYSS). Also called: Say-Barber-Biesecker-Young-Simpson variant of Ohdo Syndrome; Say-Barber-Biesecker Variant of Ohdo Syndrome; Ohdo syndrome, SBBYS variant; SBBYSS syndrome; Say-Barber-Biesecker-Young-Simpson syndrome; Young Simpson syndrome. Identifiers: Orphanet 3047, MedGen C1863557, MONDO:0011365, OMIM 603736.

Allele frequency attached by ClinVar (database versions not stated): ExAC 0.00001; gnomAD exomes 0.00001 and 0.00002; TOPMed 0.00001; gnomAD 0.00003.
gnomAD v4.1: 31 of 1,614,210 alleles (0.0019%); highest among the groups gnomAD compares: Non-Finnish European, 0.0026%; no homozygotes.

Submissions (3):

Labcorp Genetics (formerly Invitae), Labcorp
Classification: Uncertain significance for Genitopatellar syndrome. Last evaluated: 2021-07-26. Review status: criteria provided, single submitter. Criteria: Invitae Variant Classification Sherloc (09022015). Collection method: clinical testing. Allele origin: germline.
Comment: ClinVar contains an entry for this variant (Variation ID: 300862). Algorithms developed to predict the effect of missense changes on protein structure and function are either unavailable or do not agree on the potential impact of this missense change (SIFT: "Tolerated"; PolyPhen-2: "Possibly Damaging"; Align-GVGD: "Class C0"). In summary, the available evidence is currently insufficient to determine the role of this variant in disease. Therefore, it has been classified as a Variant of Uncertain Significance. This variant has not been reported in the literature in individuals affected with KAT6B-related conditions. This sequence change replaces alanine with valine at codon 480 of the KAT6B protein (p.Ala480Val). The alanine residue is weakly conserved and there is a small physicochemical difference between alanine and valine. This variant is present in population databases (rs749428929, ExAC 0.001%).

Fulgent Genetics
Classification: Uncertain significance for Blepharophimosis - intellectual disability syndrome, SBBYS type; Genitopatellar syndrome. Last evaluated: 2021-07-07. Review status: criteria provided, single submitter. Criteria: ACMG Guidelines, 2015. Collection method: clinical testing. Allele origin: unknown.

Baylor Genetics
Classification: Uncertain significance for Genitopatellar syndrome. Last evaluated: 2018-04-17. Review status: criteria provided, single submitter. Criteria: ACMG Guidelines, 2015. Collection method: clinical testing. Allele origin: maternal. Affected: yes.
Comment: This variant was determined to be of uncertain significance according to ACMG Guidelines, 2015 [PMID:25741868].

NM_012330.4(KAT6B):c.1439C>T (p.Ala480Val)

Gene: KAT6B (lysine acetyltransferase 6B; plus strand). Cytogenetic location: 10q22.2.
Variant type: single nucleotide variant.
Coding change: c.1439C>T on transcript NM_012330.4 (MANE Select); coding-DNA position 1439, C replaced by T.
Protein change: p.Ala480Val; replaces alanine 480 with valine.
Molecular consequence: missense variant. On other transcripts: intron variant (11).
Genome position (GRCh38, 1-based): chr10:74,975,776, C>T. VCF-style: chr10-74975776-C-T. GRCh37 (hg19) VCF-style: chr10-76735534-C-T.
Other names: c.1117+322C>T (NM_001370140.1, NM_001370141.1, NM_001256469.2 and 3 more transcripts); c.846+6001C>T (NM_001370133.1); c.193-3448C>T (NM_001370134.1); c.929-1540C>T (NM_001370143.1, NM_001370144.1); c.193-13243C>T (NM_001370135.1); c.1439C>T, p.Ala480Val (NM_001256468.2, NM_001370136.1, NM_001370137.1 and 1 more transcripts); short protein forms A480V.
Identifiers: ClinVar variation 300862 (VCV000300862.11), dbSNP rs749428929, ClinGen allele CA5564408.